The following is an entry in ClinVar:

ClinVar aggregate classification (germline): Likely benign. Review status: criteria provided, multiple submitters, no conflicts (2 of 4 stars). 2 submissions from 2 submitters: Likely benign (2). Last evaluated 2025-11-01.

Conditions:
MAP1B-related disorder. Also called: MAP1B-related condition.

gnomAD v4.1: 117 of 1,614,046 alleles (0.0072%); highest among the groups gnomAD compares: Admixed American, 0.19%; no homozygotes.

Submissions (2):

CeGaT Center for Human Genetics Tuebingen
Classification: Likely benign. Last evaluated: 2025-11-01. Review status: criteria provided, single submitter. Criteria: CeGaT Center For Human Genetics Tuebingen Variant Classification Criteria Version 2. Collection method: clinical testing. Allele origin: germline. Affected: yes. Observed: 1 variant allele.
Comment: MAP1B: BP4, BP7

PreventionGenetics, part of Exact Sciences
Classification: Likely benign for MAP1B-related condition. Last evaluated: 2024-12-30. Review status: criteria provided, single submitter. Criteria: ACMG Guidelines, 2015. Collection method: clinical testing. Allele origin: germline.
Comment: This variant is classified as likely benign based on ACMG/AMP sequence variant interpretation guidelines (Richards et al. 2015 PMID: 25741868, with internal and published modifications).

NM_005909.5(MAP1B):c.483C>T (p.Asn161=)

Gene: MAP1B (microtubule associated protein 1B; plus strand). Cytogenetic location: 5q13.2.
Variant type: single nucleotide variant.
Coding change: c.483C>T on transcript NM_005909.5 (MANE Select); coding-DNA position 483, C replaced by T.
Protein change: p.Asn161=; no amino-acid change (asparagine 161 retained).
Molecular consequence: synonymous variant.
Genome position (GRCh38, 1-based): chr5:72,186,727, C>T. VCF-style: chr5-72186727-C-T. GRCh37 (hg19) VCF-style: chr5-71482554-C-T.
Other names: c.483C>T (NM_005909.4); c.105C>T, p.Asn35= (NM_001324255.2).
Identifiers: ClinVar variation 4681415 (VCV004681415.6).